The following is an entry in ClinVar:

ClinVar aggregate classification (germline): Benign/Likely benign. Review status: criteria provided, multiple submitters, no conflicts (2 of 4 stars). 3 submissions from 3 submitters: Benign (1); Likely benign (2). Last evaluated 2025-10-31.

Conditions:
Birt-Hogg-Dube syndrome 1 (BHD1). Also called: FIBROFOLLICULOMAS WITH TRICHODISCOMAS AND ACROCHORDONS. Identifiers: Orphanet 122, MedGen CN375946, MONDO:0800445, OMIM 135150.
Birt-Hogg-Dube syndrome. Also called: Birt Hogg Dubé syndrome. Identifiers: Orphanet 122, MedGen C0346010, MONDO:0800444.
Hereditary cancer-predisposing syndrome. Also called: Hereditary neoplastic syndrome; Neoplastic Syndromes, Hereditary; Tumor predisposition; Hereditary Cancer Syndrome. Identifiers: Orphanet 140162, MedGen C0027672, MeSH D009386, MONDO:0015356.

Allele frequency attached by ClinVar (database versions not stated): gnomAD exomes below 0.00001; TOPMed 0.00001.
gnomAD v4.1: 1 of 1,614,228 alleles (0.000062%); highest among the groups gnomAD compares: Non-Finnish European, 0.000085%; no homozygotes.

Submissions (3):

Labcorp Genetics (formerly Invitae), Labcorp
Classification: Likely benign for Birt-Hogg-Dube syndrome. Last evaluated: 2025-10-31. Review status: criteria provided, single submitter. Criteria: Invitae Variant Classification Sherloc (09022015). Collection method: clinical testing. Allele origin: germline.

Myriad Genetics, Inc.
Classification: Benign for Birt-Hogg-Dube syndrome 1. Last evaluated: 2024-10-23. Review status: criteria provided, single submitter. Criteria: Myriad Autosomal Dominant, Autosomal Recessive and X-Linked Classification Criteria (2023). Collection method: clinical testing. Allele origin: unknown.
Comment: This variant is considered benign. This variant is a silent/synonymous amino acid change and it is not expected to impact splicing.

Ambry Genetics
Classification: Likely benign for Hereditary cancer-predisposing syndrome. Last evaluated: 2021-01-23. Review status: criteria provided, single submitter. Criteria: Ambry Variant Classification Scheme 2023. Collection method: clinical testing. Allele origin: germline.

NM_144997.7(FLCN):c.669C>T (p.Asn223=)

Gene: FLCN (folliculin; minus strand). Cytogenetic location: 17p11.2.
Variant type: single nucleotide variant.
Coding change: c.669C>T on transcript NM_144997.7 (MANE Select); coding-DNA position 669, C replaced by T.
Protein change: p.Asn223=; no amino-acid change (asparagine 223 retained).
Molecular consequence: synonymous variant.
Genome position (GRCh38, 1-based): chr17:17,222,611, G>A on the plus strand (C>T on the coding strand, the complement: FLCN is on the minus strand). VCF-style: chr17-17222611-G-A. GRCh37 (hg19) VCF-style: chr17-17125925-G-A.
Other names: c.723C>T, p.Asn241= (NM_001353229.2); c.669C>T, p.Asn223= (NM_001353230.2, NM_001353231.2, NM_144606.7).
Identifiers: ClinVar variation 717766 (VCV000717766.10), dbSNP rs938971627, ClinGen allele CA288315627.